The following is an entry in ClinVar:

ClinVar aggregate classification (germline): Uncertain significance (1 of 4 stars; one submission).

Conditions:
Succinate-semialdehyde dehydrogenase deficiency (SSADHD). Also called: 4-HYDROXYBUTYRIC ACIDURIA; Succinic Semialdehyde Dehydrogenase Deficiency; GABA METABOLIC DEFECT; SSADH DEFICIENCY. Identifiers: Orphanet 22, MedGen C0268631, MONDO:0010083, OMIM 271980.

gnomAD v4.1: 2 of 1,610,448 alleles (0.00012%); highest among the groups gnomAD compares: Non-Finnish European, 0.00017%; no homozygotes.

Submission:

Labcorp Genetics (formerly Invitae), Labcorp
Classification: Uncertain significance for Succinate-semialdehyde dehydrogenase deficiency. Last evaluated: 2022-08-21. Review status: criteria provided, single submitter. Criteria: Invitae Variant Classification Sherloc (09022015). Collection method: clinical testing. Allele origin: germline.
Comment: In summary, the available evidence is currently insufficient to determine the role of this variant in disease. Therefore, it has been classified as a Variant of Uncertain Significance. Algorithms developed to predict the effect of sequence changes on RNA splicing suggest that this variant may disrupt the consensus splice site. This variant has not been reported in the literature in individuals affected with ALDH5A1-related conditions. This variant is not present in population databases (gnomAD no frequency). This sequence change falls in intron 3 of the ALDH5A1 gene. It does not directly change the encoded amino acid sequence of the ALDH5A1 protein.

NM_001080.3(ALDH5A1):c.610-17T>A

Gene: ALDH5A1 (aldehyde dehydrogenase 5 family member A1; plus strand). Cytogenetic location: 6p22.3.
Variant type: single nucleotide variant.
Coding change: c.610-17T>A on transcript NM_001080.3 (MANE Select); 17 bases into the intron before coding-DNA position 610, T replaced by A.
Molecular consequence: intron variant.
Genome position (GRCh38, 1-based): chr6:24,504,852, T>A. VCF-style: chr6-24504852-T-A. GRCh37 (hg19) VCF-style: chr6-24505080-T-A.
Other names: c.610-17T>A (NM_170740.1, NM_001368954.1).
Identifiers: ClinVar variation 2126780 (VCV002126780.4), dbSNP rs778275814, ClinGen allele CA2580074527.